The following is an entry in ClinVar:

ClinVar aggregate classification (germline): Uncertain significance (1 of 4 stars; one submission).

Conditions:
X-linked agammaglobulinemia with growth hormone deficiency (IGHD3). Also called: Isolated growth hormone deficiency type 3; Growth hormone deficiency with hypogammaglobulinemia; AGAMMAGLOBULINEMIA AND ISOLATED GROWTH HORMONE DEFICIENCY, X-LINKED; FLEISHER SYNDROME; HYPOGAMMAGLOBULINEMIA AND ISOLATED GROWTH HORMONE DEFICIENCY, X-LINKED; IGHD III. Identifiers: Orphanet 231692, Orphanet 631, MedGen C0472813, MONDO:0010615, OMIM 307200.

Submission:

Labcorp Genetics (formerly Invitae), Labcorp
Classification: Uncertain significance for X-linked agammaglobulinemia with growth hormone deficiency. Last evaluated: 2021-04-08. Review status: criteria provided, single submitter. Criteria: Invitae Variant Classification Sherloc (09022015). Collection method: clinical testing. Allele origin: germline.
Comment: In summary, the available evidence is currently insufficient to determine the role of this variant in disease. Therefore, it has been classified as a Variant of Uncertain Significance. Advanced modeling of protein sequence and biophysical properties (such as structural, functional, and spatial information, amino acid conservation, physicochemical variation, residue mobility, and thermodynamic stability) performed at Invitae indicates that this missense variant is expected to disrupt BTK protein function. This variant has been observed in individual(s) with X-linked agammaglobulinemia (PMID: 9192269). This variant is also known as c.1225A>T in the literature. This variant is not present in population databases (ExAC no frequency). This sequence change replaces asparagine with tyrosine at codon 365 of the BTK protein (p.Asn365Tyr). The asparagine residue is highly conserved and there is a large physicochemical difference between asparagine and tyrosine.

Literature cited by the submitters: PubMed 9192269.

NM_000061.3(BTK):c.1093A>T (p.Asn365Tyr)

Gene: BTK (Bruton tyrosine kinase; minus strand). Cytogenetic location: Xq22.1.
Variant type: single nucleotide variant.
Coding change: c.1093A>T on transcript NM_000061.3 (MANE Select); coding-DNA position 1093, A replaced by T.
Protein change: p.Asn365Tyr; replaces asparagine 365 with tyrosine.
Molecular consequence: missense variant. On other transcripts: intron variant (1).
Genome position (GRCh38, 1-based): chrX:101,358,319, T>A on the plus strand (A>T on the coding strand, the complement: BTK is on the minus strand). VCF-style: chrX-101358319-T-A. GRCh37 (hg19) VCF-style: chrX-100613307-T-A.
Other names: c.1195A>T, p.Asn399Tyr (NM_001287344.2); c.1038+55A>T (NM_001287345.2); short protein forms N399Y, N365Y.
Identifiers: ClinVar variation 1492658 (VCV001492658.8), dbSNP rs2147429790, ClinGen allele CA413927585.